The following is an entry in ClinVar:

NM_005762.3(TRIM28):c.840-6C>T

Gene: TRIM28 (tripartite motif containing 28; plus strand). Cytogenetic location: 19q13.43.
Variant type: single nucleotide variant.
Coding change: c.840-6C>T on transcript NM_005762.3 (MANE Select); 6 bases into the intron before coding-DNA position 840, C replaced by T.
Molecular consequence: intron variant.
Genome position (GRCh38, 1-based): chr19:58,547,786, C>T. VCF-style: chr19-58547786-C-T. GRCh37 (hg19) VCF-style: chr19-59059153-C-T.
Identifiers: ClinVar variation 3049346 (VCV003049346.4), dbSNP rs75453307, ClinGen allele CA9719015.

ClinVar aggregate classification (germline): Benign. Review status: criteria provided, single submitter (1 of 4 stars). 2 submissions from 2 submitters: Benign (1). 1 of the submissions does not count toward it. Last evaluated 2026-01-25.

Conditions:
TRIM28-related disorder. Also called: TRIM28-related condition.

Allele frequency attached by ClinVar (database versions not stated): ExAC 0.00138; TOPMed 0.00491; ESP Exome Variant Server 0.00546; gnomAD exomes 0.00047; gnomAD 0.00437; 1000 Genomes Project 30x 0.00484; 1000 Genomes Project 0.00499.
gnomAD v4.1: 1,386 of 1,614,044 alleles (0.086%); highest among the groups gnomAD compares: African/African-American, 1.6%; 17 homozygotes.

Submissions (2):

Labcorp Genetics (formerly Invitae), Labcorp
Classification: Benign. Last evaluated: 2026-01-25. Review status: criteria provided, single submitter. Criteria: Invitae Variant Classification Sherloc (09022015). Collection method: clinical testing. Allele origin: germline.

PreventionGenetics, part of Exact Sciences
Classification: Benign for TRIM28-related condition. Last evaluated: 2019-12-09. Review status: no assertion criteria provided. Collection method: clinical testing. Allele origin: germline. Not counted in ClinVar's aggregate classification.
Comment: This variant is classified as benign based on ACMG/AMP sequence variant interpretation guidelines (Richards et al. 2015 PMID: 25741868, with internal and published modifications).